The following is an entry in ClinVar:

NM_000719.7(CACNA1C):c.1214G>A (p.Ser405Asn)

Gene: CACNA1C (calcium voltage-gated channel subunit alpha1 C; plus strand). Cytogenetic location: 12p13.33.
Variant type: single nucleotide variant.
Coding change: c.1214G>A on transcript NM_000719.7 (MANE Select); coding-DNA position 1214, G replaced by A.
Protein change: p.Ser405Asn; replaces serine 405 with asparagine.
Molecular consequence: missense variant. On other transcripts: intron variant (4).
Genome position (GRCh38, 1-based): chr12:2,504,942, G>A. VCF-style: chr12-2504942-G-A. GRCh37 (hg19) VCF-style: chr12-2614108-G-A.
Other names: c.1214G>A, p.Ser405Asn (NM_001129827.2, NM_001129829.2, NM_001129830.3 and 14 more transcripts); c.1217+403G>A (NM_001167624.3, NM_001167623.2, NM_001167625.2 and 1 more transcripts); c.1205G>A, p.Ser402Asn (NM_001129844.2); short protein forms S402N, S405N.
Identifiers: ClinVar variation 3718447 (VCV003718447.2).

ClinVar aggregate classification (germline): Uncertain significance (1 of 4 stars; one submission).

Conditions:
Long QT syndrome (LQTS). Identifiers: MedGen C0023976, MeSH D008133, MONDO:0002442. Disease mechanism: loss of function. Inheritance: Various modes of inheritance.

Submission:

Labcorp Genetics (formerly Invitae), Labcorp
Classification: Uncertain significance for Long QT syndrome. Last evaluated: 2025-01-16. Review status: criteria provided, single submitter. Criteria: Invitae Variant Classification Sherloc (09022015). Collection method: clinical testing. Allele origin: germline.
Comment: This sequence change replaces serine, which is neutral and polar, with asparagine, which is neutral and polar, at codon 405 of the CACNA1C protein (p.Ser405Asn). This variant is not present in population databases (gnomAD no frequency). This variant has not been reported in the literature in individuals affected with CACNA1C-related conditions. Invitae Evidence Modeling of protein sequence and biophysical properties (such as structural, functional, and spatial information, amino acid conservation, physicochemical variation, residue mobility, and thermodynamic stability) indicates that this missense variant is expected to disrupt CACNA1C protein function with a positive predictive value of 95%. In summary, the available evidence is currently insufficient to determine the role of this variant in disease. Therefore, it has been classified as a Variant of Uncertain Significance.